The following is an entry in ClinVar:

NM_025137.4(SPG11):c.6759C>T (p.Asp2253=)

Gene: SPG11 (SPG11 vesicle trafficking associated, spatacsin; minus strand). Cytogenetic location: 15q21.1.
Variant type: single nucleotide variant.
Coding change: c.6759C>T on transcript NM_025137.4 (MANE Select); coding-DNA position 6759, C replaced by T.
Protein change: p.Asp2253=; no amino-acid change (aspartic acid 2253 retained).
Molecular consequence: synonymous variant.
Genome position (GRCh38, 1-based): chr15:44,566,301, G>A on the plus strand (C>T on the coding strand, the complement: SPG11 is on the minus strand). VCF-style: chr15-44566301-G-A. GRCh37 (hg19) VCF-style: chr15-44858499-G-A.
Other names: c.6759C>T (NM_025137.3); c.6615C>T, p.Asp2205= (NM_001411132.1); c.6420C>T, p.Asp2140= (NM_001160227.2).
Identifiers: ClinVar variation 4808559 (VCV004808559.2).

ClinVar aggregate classification (germline): Likely benign. Review status: criteria provided, multiple submitters, no conflicts (2 of 4 stars). 2 submissions from 2 submitters: Likely benign (2). Last evaluated 2025-03-27.

Conditions:
Hereditary spastic paraplegia 11. Also called: Spastic paraplegia, mental retardation and thin corpus callosum; SPASTIC PARAPLEGIA, AUTOSOMAL RECESSIVE, COMPLICATED, WITH THIN CORPUS CALLOSUM; SPASTIC PARAPLEGIA, AUTOSOMAL RECESSIVE, WITH MENTAL IMPAIRMENT AND THIN CORPUS CALLOSUM; Spastic Paraplegia 11; Nakamura Osame syndrome; Autosomal recessive hereditary spastic paraplegia, mental impairment, and thin corpus callosum. Identifiers: Orphanet 2822, MedGen C1858479, MONDO:0011445, OMIM 604360.
SPG11-related disorder. Also called: SPG11-related condition.

gnomAD v4.1: 7 of 1,613,860 alleles (0.00043%); highest among the groups gnomAD compares: Non-Finnish European, 0.00059%; no homozygotes.

Submissions (2):

PreventionGenetics, part of Exact Sciences
Classification: Likely benign for SPG11-related condition. Last evaluated: 2025-03-27. Review status: criteria provided, single submitter. Criteria: ACMG Guidelines, 2015. Collection method: clinical testing. Allele origin: germline.
Comment: This variant is classified as likely benign based on ACMG/AMP sequence variant interpretation guidelines (Richards et al. 2015 PMID: 25741868, with internal and published modifications).

Labcorp Genetics (formerly Invitae), Labcorp
Classification: Likely benign for Hereditary spastic paraplegia 11. Last evaluated: 2025-03-24. Review status: criteria provided, single submitter. Criteria: Invitae Variant Classification Sherloc (09022015). Collection method: clinical testing. Allele origin: germline.